The following is an entry in ClinVar:

ClinVar aggregate classification (germline): Uncertain significance. Review status: criteria provided, multiple submitters, no conflicts (2 of 4 stars). 2 submissions from 2 submitters: Uncertain significance (2). Last evaluated 2025-08-25.

Allele frequency attached by ClinVar (database versions not stated): TOPMed 0.00001; gnomAD 0.00002; ExAC 0.00007.
gnomAD v4.1: 23 of 1,598,056 alleles (0.0014%); highest among the groups gnomAD compares: Admixed American, 0.041%; no homozygotes.

Submissions (2):

Ambry Genetics
Classification: Uncertain significance. Last evaluated: 2025-08-25. Review status: criteria provided, single submitter. Criteria: Ambry Variant Classification Scheme 2023. Collection method: clinical testing. Allele origin: germline.

Labcorp Genetics (formerly Invitae), Labcorp
Classification: Uncertain significance. Last evaluated: 2025-03-19. Review status: criteria provided, single submitter. Criteria: Invitae Variant Classification Sherloc (09022015). Collection method: clinical testing. Allele origin: germline.
Comment: This sequence change replaces threonine, which is neutral and polar, with serine, which is neutral and polar, at codon 705 of the TRPC3 protein (p.Thr705Ser). This variant is present in population databases (rs769488090, gnomAD 0.06%), and has an allele count higher than expected for a pathogenic variant. This variant has not been reported in the literature in individuals affected with TRPC3-related conditions. ClinVar contains an entry for this variant (Variation ID: 2043556). Invitae Evidence Modeling of protein sequence and biophysical properties (such as structural, functional, and spatial information, amino acid conservation, physicochemical variation, residue mobility, and thermodynamic stability) indicates that this missense variant is not expected to disrupt TRPC3 protein function with a negative predictive value of 80%. In summary, the available evidence is currently insufficient to determine the role of this variant in disease. Therefore, it has been classified as a Variant of Uncertain Significance.

NM_001130698.2(TRPC3):c.2113A>T (p.Thr705Ser)

Gene: TRPC3 (transient receptor potential cation channel subfamily C member 3; minus strand). Cytogenetic location: 4q27.
Variant type: single nucleotide variant.
Coding change: c.2113A>T on transcript NM_001130698.2 (MANE Select); coding-DNA position 2113, A replaced by T.
Protein change: p.Thr705Ser; replaces threonine 705 with serine.
Molecular consequence: missense variant.
Genome position (GRCh38, 1-based): chr4:121,904,462, T>A on the plus strand (A>T on the coding strand, the complement: TRPC3 is on the minus strand). VCF-style: chr4-121904462-T-A. GRCh37 (hg19) VCF-style: chr4-122825617-T-A.
Other names: c.2113A>T (NM_001130698.1); c.2113A>T, p.Thr705Ser (NM_001366479.2); c.1894A>T, p.Thr632Ser (NM_003305.2); short protein forms T632S, T705S.
Identifiers: ClinVar variation 2043556 (VCV002043556.5), dbSNP rs769488090, ClinGen allele CA3064825.